The following is an entry in ClinVar:

ClinVar aggregate classification (germline): Uncertain significance. Review status: criteria provided, multiple submitters, no conflicts (2 of 4 stars). 5 submissions from 5 submitters: Uncertain significance (5). Last evaluated 2025-10-23.

Conditions:
Cardiovascular phenotype. Identifiers: MedGen CN230736.
Cardiomyopathy (CMYO). Also called: Cardiomyopathies. Identifiers: Orphanet 167848, MedGen C0878544, MONDO:0004994, HP:0001638. Inheritance: Various modes of inheritance.
Hypertrophic cardiomyopathy. Also called: HYPERTROPHIC MYOCARDIOPATHY. Identifiers: Orphanet 217569, MedGen C0007194, MeSH D002312, MONDO:0005045, HP:0001639.

Submissions (5):

Labcorp Genetics (formerly Invitae), Labcorp
Classification: Uncertain significance for Hypertrophic cardiomyopathy. Last evaluated: 2025-10-23. Review status: criteria provided, single submitter. Criteria: Invitae Variant Classification Sherloc (09022015). Collection method: clinical testing. Allele origin: germline.
Comment: This sequence change replaces alanine, which is neutral and non-polar, with aspartic acid, which is acidic and polar, at codon 113 of the MYBPC3 protein (p.Ala113Asp). The frequency data for this variant in the population databases is considered unreliable, as metrics indicate poor data quality at this position in the gnomAD database. This variant has not been reported in the literature in individuals affected with MYBPC3-related conditions. ClinVar contains an entry for this variant (Variation ID: 181031). An algorithm developed to predict the effect of missense changes on protein structure and function (PolyPhen-2) suggests that this variant is likely to be tolerated. In summary, the available evidence is currently insufficient to determine the role of this variant in disease. Therefore, it has been classified as a Variant of Uncertain Significance.

Ambry Genetics
Classification: Uncertain significance for Cardiovascular phenotype. Last evaluated: 2024-09-03. Review status: criteria provided, single submitter. Criteria: Ambry Variant Classification Scheme 2023. Collection method: clinical testing. Allele origin: germline.
Comment: The p.A113D variant (also known as c.338C>A), located in coding exon 3 of the MYBPC3 gene, results from a C to A substitution at nucleotide position 338. The alanine at codon 113 is replaced by aspartic acid, an amino acid with dissimilar properties. This amino acid position is not well conserved in available vertebrate species. In addition, this alteration is predicted to be tolerated by in silico analysis. Based on the available evidence, the clinical significance of this variant remains unclear.

All of Us Research Program, National Institutes of Health
Classification: Uncertain significance for Hypertrophic cardiomyopathy. Last evaluated: 2023-12-13. Review status: criteria provided, single submitter. Criteria: ACMG Guidelines, 2015. Collection method: clinical testing. Allele origin: germline. Inheritance: Autosomal dominant inheritance. Observed: 3 variant alleles, 3 heterozygotes.
Comment: This missense variant replaces alanine with aspartic acid at codon 113 of the MYBPC3 protein. Computational prediction suggests that this variant may not impact protein structure and function (internally defined REVEL score threshold <= 0.5, PMID: 27666373). Splice site prediction tools suggest that this variant may not impact RNA splicing. To our knowledge, functional studies have not been performed for this variant. This variant has not been reported in individuals affected with cardiovascular disorders in the literature. This variant has not been identified in the general population by the Genome Aggregation Database (gnomAD). The available evidence is insufficient to determine the role of this variant in disease conclusively. Therefore, this variant is classified as a Variant of Uncertain Significance.

This study involves interpretation of variants in research participants for the purpose of population health screening. Participant phenotype was not available at the time of variant classification. Additional details can be found in publication PMID: 35346344, PMCID: PMC8962531

Color Diagnostics, LLC DBA Color Health
Classification: Uncertain significance for Cardiomyopathy. Last evaluated: 2023-10-19. Review status: criteria provided, single submitter. Criteria: ACMG Guidelines, 2015. Collection method: clinical testing. Allele origin: germline.
Comment: This missense variant replaces alanine with aspartic acid at codon 113 of the MYBPC3 protein. Computational prediction suggests that this variant may not impact protein structure and function (internally defined REVEL score threshold <= 0.5, PMID: 27666373). To our knowledge, functional studies have not been reported for this variant. This variant has not been reported in individuals affected with MYBPC3-related disorders in the literature. This variant has not been identified in the general population by the Genome Aggregation Database (gnomAD). The available evidence is insufficient to determine the role of this variant in disease conclusively. Therefore, this variant is classified as a Variant of Uncertain Significance.

GeneDx
Classification: Uncertain significance. Last evaluated: 2017-06-29. Review status: criteria provided, single submitter. Criteria: GeneDx Variant Classification (06012015). Collection method: clinical testing. Allele origin: germline. Affected: yes.
Comment: p.Ala113Asp (GCC>GAC): c.338 C>A in exon 3 of the MYBPC3 gene (NM_000256.3). The Ala113Asp variant in the MYBPC3 gene has not been reported as a disease-causing mutation or as a benign polymorphism to our knowledge. Ala113Asp results in a non-conservative amino acid substitution of a non-polar Alanine with a negatively charged Aspartic Acid at a position that is conserved in mammals. The Ala113Asp variant was not observed in approximately 6000 individuals of European and African American ancestry in the NHLBI Exome Sequencing Project, indicating it is not a common benign variant in these populations. However, control data from individuals of other ethnic backgrounds were not available to assess for a population-specific benign polymorphism. Only one nearby missense mutation (Pro102Leu) has been reported in association with hypertrophic cardiomyopathy (Kassem H et al., 2013). Additionally, in silico algorithms are not consistent in their predictions but at least two concur that Ala113Asp is benign to the protein structure/function. With the clinical and molecular information available at this time, we cannot definitively determine if Ala113Asp is a disease-causing mutation or a rare benign variant. Mutations in the MYBPC3 gene have been reported in 20%-30% of patients with autosomal dominant familial hypertrophic cardiomyopathy, and have been reported less frequently in patients with autosomal dominant familial dilated cardiomyopathy (Cirino A et al., 2011; Hershberger R et al., 2009). The variant is found in DCM panel(s).

NM_000256.3(MYBPC3):c.338C>A (p.Ala113Asp)

Gene: MYBPC3 (myosin binding protein C3; minus strand). Cytogenetic location: 11p11.2.
Variant type: single nucleotide variant.
Coding change: c.338C>A on transcript NM_000256.3 (MANE Select); coding-DNA position 338, C replaced by A.
Protein change: p.Ala113Asp; replaces alanine 113 with aspartic acid.
Molecular consequence: missense variant.
Genome position (GRCh38, 1-based): chr11:47,350,570, G>T on the plus strand (C>A on the coding strand, the complement: MYBPC3 is on the minus strand). VCF-style: chr11-47350570-G-T. GRCh37 (hg19) VCF-style: chr11-47372121-G-T.
Other names: p.A113D:GCC>GAC; c.338C>A, p.Ala113Asp (LRG_386t1); short protein forms A113D.
Identifiers: ClinVar variation 181031 (VCV000181031.10), dbSNP rs730880611, ClinGen allele CA014063.